The following is an entry in ClinVar:

ClinVar aggregate classification (germline): Uncertain significance. Review status: criteria provided, single submitter (1 of 4 stars). 2 submissions from 2 submitters: Uncertain significance (1). 1 of the submissions does not count toward it. Last evaluated 2021-02-22.

Conditions:
Hereditary cancer-predisposing syndrome. Also called: Tumor predisposition; Hereditary neoplastic syndrome; Hereditary Cancer Syndrome; Neoplastic Syndromes, Hereditary. Identifiers: Orphanet 140162, MedGen C0027672, MeSH D009386, MONDO:0015356.
Malignant tumor of breast. Also called: Malignant breast neoplasm; Cancer breast. Identifiers: MedGen C0006142, MONDO:0007254. Disease mechanism: loss of function.

Allele frequency attached by ClinVar (database versions not stated): gnomAD exomes below 0.00001.

Submissions (2):

Ambry Genetics
Classification: Uncertain significance for Hereditary cancer-predisposing syndrome. Last evaluated: 2021-02-22. Review status: criteria provided, single submitter. Criteria: Ambry Variant Classification Scheme 2023. Collection method: clinical testing. Allele origin: germline.
Comment: The p.P711L variant (also known as c.2132C>T), located in coding exon 4 of the MSH6 gene, results from a C to T substitution at nucleotide position 2132. The proline at codon 711 is replaced by leucine, an amino acid with similar properties. This amino acid position is highly conserved in available vertebrate species. In addition, this alteration is predicted to be deleterious by in silico analysis. Since supporting evidence is limited at this time, the clinical significance of this alteration remains unclear.

Department of Pathology and Laboratory Medicine, Sinai Health System
Classification: Uncertain significance for Malignant tumor of breast. Review status: no assertion criteria provided. Collection method: clinical testing. Allele origin: unknown. Affected: yes. Study: The Canadian Open Genetics Repository (COGR). Not counted in ClinVar's aggregate classification.
Comment: The MSH6 p.Pro711Leu variant was not identified in the literature nor was it identified in the dbSNP, ClinVar, COGR, Cosmic, MutDB, LOVD 3.0, UMD-LSDB, Zhejiang Colon Cancer Database, Mismatch Repair Genes Variant Database, Insight Hereditary Tumors Database, the 1000 Genomes Project, the NHLBI GO Exome Sequencing Project, the Exome Aggregation Consortium (August 8th 2016), or the Genome Aggregation Database (Feb 27, 2017). The p.Pro711 residue is conserved in mammals but not in more distantly related organisms, and four out of five computational analyses (PolyPhen-2, SIFT, AlignGVGD, BLOSUM, MutationTaster) suggest that the Leu variant may impact the protein; however, this information is not predictive enough to assume pathogenicity. The variant occurs outside of the splicing consensus sequence and in silico or computational prediction software programs (SpliceSiteFinder, MaxEntScan, NNSPLICE, GeneSplicer, HumanSpliceFinder) do not predict a difference in splicing. In summary, based on the above information the clinical significance of this variant cannot be determined with certainty at this time. This variant is classified as a variant of uncertain significance.

NM_000179.3(MSH6):c.2132C>T (p.Pro711Leu)

Gene: MSH6 (mutS homolog 6; plus strand). Cytogenetic location: 2p16.3.
Variant type: single nucleotide variant.
Coding change: c.2132C>T on transcript NM_000179.3 (MANE Select); coding-DNA position 2132, C replaced by T.
Protein change: p.Pro711Leu; replaces proline 711 with leucine.
Molecular consequence: missense variant.
Genome position (GRCh38, 1-based): chr2:47,800,115, C>T. VCF-style: chr2-47800115-C-T. GRCh37 (hg19) VCF-style: chr2-48027254-C-T.
Other names: c.1742C>T, p.Pro581Leu (NM_001281492.2); c.1226C>T, p.Pro409Leu (NM_001281493.2, NM_001281494.2); short protein forms P409L, P581L, P711L.
Identifiers: ClinVar variation 1049436 (VCV001049436.4), dbSNP rs2104390270, ClinGen allele CA346751042.